The following is an entry in ClinVar:

ClinVar aggregate classification (germline): Uncertain significance (1 of 4 stars; one submission).

Conditions:
Periodic fever-infantile enterocolitis-autoinflammatory syndrome. Also called: Autoinflammation with infantile enterocolitis. Identifiers: Orphanet 436166, MedGen C4015067, MONDO:0014472, OMIM 616050.
Familial cold autoinflammatory syndrome 4 (FCAS4). Identifiers: Orphanet 47045, Orphanet 576349, MedGen C4015276, MONDO:0014498, OMIM 616115.

gnomAD v4.1: 3 of 1,611,950 alleles (0.00019%); highest among the groups gnomAD compares: Non-Finnish European, 0.00017%; no homozygotes.

Submission:

Labcorp Genetics (formerly Invitae), Labcorp
Classification: Uncertain significance for Periodic fever-infantile enterocolitis-autoinflammatory syndrome; Familial cold autoinflammatory syndrome 4. Last evaluated: 2025-07-03. Review status: criteria provided, single submitter. Criteria: Invitae Variant Classification Sherloc (09022015). Collection method: clinical testing. Allele origin: germline.
Comment: This sequence change replaces glutamic acid, which is acidic and polar, with glycine, which is neutral and non-polar, at codon 861 of the NLRC4 protein (p.Glu861Gly). This variant is present in population databases (no rsID available, gnomAD 0.003%). This variant has not been reported in the literature in individuals affected with NLRC4-related conditions. Invitae Evidence Modeling of protein sequence and biophysical properties (such as structural, functional, and spatial information, amino acid conservation, physicochemical variation, residue mobility, and thermodynamic stability) indicates that this missense variant is not expected to disrupt NLRC4 protein function with a negative predictive value of 80%. In summary, the available evidence is currently insufficient to determine the role of this variant in disease. Therefore, it has been classified as a Variant of Uncertain Significance.

NM_001199138.2(NLRC4):c.2582A>G (p.Glu861Gly)

Gene: NLRC4 (NLR family CARD domain containing 4; minus strand). Cytogenetic location: 2p22.3.
Variant type: single nucleotide variant.
Coding change: c.2582A>G on transcript NM_001199138.2 (MANE Select); coding-DNA position 2582, A replaced by G.
Protein change: p.Glu861Gly; replaces glutamic acid 861 with glycine.
Molecular consequence: missense variant.
Genome position (GRCh38, 1-based): chr2:32,236,279, T>C on the plus strand (A>G on the coding strand, the complement: NLRC4 is on the minus strand). VCF-style: chr2-32236279-T-C. GRCh37 (hg19) VCF-style: chr2-32461348-T-C.
Other names: c.2582A>G, p.Glu861Gly (NM_001199139.2, NM_021209.5); c.587A>G, p.Glu196Gly (NM_001302504.2); short protein forms E861G, E196G.
Identifiers: ClinVar variation 4788735 (VCV004788735.1).